The following is an entry in ClinVar:

NM_000069.3(CACNA1S):c.1304A>G (p.Tyr435Cys)

Gene: CACNA1S (calcium voltage-gated channel subunit alpha1 S; minus strand). Cytogenetic location: 1q32.1.
Variant type: single nucleotide variant.
Coding change: c.1304A>G on transcript NM_000069.3 (MANE Select); coding-DNA position 1304, A replaced by G.
Protein change: p.Tyr435Cys; replaces tyrosine 435 with cysteine.
Molecular consequence: missense variant.
Genome position (GRCh38, 1-based): chr1:201,083,251, T>C on the plus strand (A>G on the coding strand, the complement: CACNA1S is on the minus strand). VCF-style: chr1-201083251-T-C. GRCh37 (hg19) VCF-style: chr1-201052379-T-C.
Other names: short protein forms Y435C.
Identifiers: ClinVar variation 2241734 (VCV002241734.5), dbSNP rs1374435537, ClinGen allele CA344125729.

ClinVar aggregate classification (germline): Uncertain significance. Review status: criteria provided, multiple submitters, no conflicts (2 of 4 stars). 4 submissions from 4 submitters: Uncertain significance (4). Last evaluated 2025-06-20.

Conditions:
Inborn genetic diseases. Identifiers: MedGen C0950123, MeSH D030342.
Hypokalemic periodic paralysis, type 1. Also called: Hypokalemic Periodic Paralysis Type 1 (AD); HypoPP. Identifiers: Orphanet 681, MedGen C3714580, MONDO:0042979, OMIM 170400.
Malignant hyperthermia, susceptibility to, 5 (MHS5). Also called: CACNA1S-Related Malignant Hyperthermia Susceptibility. Identifiers: Orphanet 423, MedGen C1866077, MONDO:0011163, OMIM 601887.

Allele frequency attached by ClinVar (database versions not stated): gnomAD exomes 0.00001; TOPMed 0.00002; gnomAD 0.00003.
gnomAD v4.1: 22 of 1,614,034 alleles (0.0014%); highest among the groups gnomAD compares: East Asian, 0.0022%; no homozygotes.

Submissions (4):

GeneDx
Classification: Uncertain significance. Last evaluated: 2025-06-20. Review status: criteria provided, single submitter. Criteria: GeneDx Variant Classification Process June 2021. Collection method: clinical testing. Allele origin: germline. Affected: yes.
Comment: Not observed at significant frequency in large population cohorts (gnomAD); In silico analysis supports that this missense variant has a deleterious effect on protein structure/function; Has not been previously published as pathogenic or benign to our knowledge

Labcorp Genetics (formerly Invitae), Labcorp
Classification: Uncertain significance for Hypokalemic periodic paralysis, type 1; Malignant hyperthermia, susceptibility to, 5. Last evaluated: 2025-06-11. Review status: criteria provided, single submitter. Criteria: Invitae Variant Classification Sherloc (09022015). Collection method: clinical testing. Allele origin: germline.
Comment: This sequence change replaces tyrosine, which is neutral and polar, with cysteine, which is neutral and slightly polar, at codon 435 of the CACNA1S protein (p.Tyr435Cys). This variant is present in population databases (no rsID available, gnomAD 0.0009%). This variant has not been reported in the literature in individuals affected with CACNA1S-related conditions. ClinVar contains an entry for this variant (Variation ID: 2241734). Invitae Evidence Modeling of protein sequence and biophysical properties (such as structural, functional, and spatial information, amino acid conservation, physicochemical variation, residue mobility, and thermodynamic stability) has been performed for this missense variant. However, the output from this modeling did not meet the statistical confidence thresholds required to predict the impact of this variant on CACNA1S protein function. In summary, the available evidence is currently insufficient to determine the role of this variant in disease. Therefore, it has been classified as a Variant of Uncertain Significance.

All of Us Research Program, National Institutes of Health
Classification: Uncertain significance for Malignant hyperthermia, susceptibility to, 5. Last evaluated: 2023-12-13. Review status: criteria provided, single submitter. Criteria: ACMG Guidelines, 2015. Collection method: clinical testing. Allele origin: germline. Inheritance: Autosomal dominant inheritance. Observed: 1 variant allele, 1 heterozygote.
Comment: This missense variant replaces tyrosine with cysteine at codon 435 of the CACNA1S protein. Computational prediction suggests that this variant may have deleterious impact on protein structure and function (internally defined REVEL score threshold >= 0.7, PMID: 27666373). To our knowledge, functional studies have not been reported for this variant. This variant has not been reported in individuals affected with CACNA1S-related disorders in the literature. This variant has been identified in 1/251484 chromosomes in the general population by the Genome Aggregation Database (gnomAD). The available evidence is insufficient to determine the role of this variant in disease conclusively. Therefore, this variant is classified as a Variant of Uncertain Significance.

This study involves interpretation of variants in research participants for the purpose of population health screening. Participant phenotype was not available at the time of variant classification. Additional details can be found in publication PMID: 35346344, PMCID: PMC8962531

Ambry Genetics
Classification: Uncertain significance for Inborn genetic diseases. Last evaluated: 2021-10-06. Review status: criteria provided, single submitter. Criteria: Ambry Variant Classification Scheme 2023. Collection method: clinical testing. Allele origin: germline.